The following is an entry in ClinVar:

ClinVar aggregate classification (germline): Uncertain significance (1 of 4 stars; one submission).

Conditions:
Congenital contractural arachnodactyly (CCA). Also called: Arthrogryposis, distal, type 9; BEALS SYNDROME; Beals-Hecht syndrome. Identifiers: Orphanet 115, MedGen C0220668, MONDO:0007363, OMIM 121050.

gnomAD v4.1: 7 of 1,613,238 alleles (0.00043%); highest among the groups gnomAD compares: East Asian, 0.0022%; no homozygotes.

Submission:

Labcorp Genetics (formerly Invitae), Labcorp
Classification: Uncertain significance for Congenital contractural arachnodactyly. Last evaluated: 2025-03-07. Review status: criteria provided, single submitter. Criteria: Invitae Variant Classification Sherloc (09022015). Collection method: clinical testing. Allele origin: germline.
Comment: This sequence change replaces isoleucine, which is neutral and non-polar, with valine, which is neutral and non-polar, at codon 809 of the FBN2 protein (p.Ile809Val). This variant is not present in population databases (gnomAD no frequency). This variant has not been reported in the literature in individuals affected with FBN2-related conditions. Invitae Evidence Modeling of protein sequence and biophysical properties (such as structural, functional, and spatial information, amino acid conservation, physicochemical variation, residue mobility, and thermodynamic stability) indicates that this missense variant is not expected to disrupt FBN2 protein function with a negative predictive value of 80%. In summary, the available evidence is currently insufficient to determine the role of this variant in disease. Therefore, it has been classified as a Variant of Uncertain Significance.

NM_001999.4(FBN2):c.2425A>G (p.Ile809Val)

Gene: FBN2 (fibrillin 2; minus strand). Cytogenetic location: 5q23.3.
Variant type: single nucleotide variant.
Coding change: c.2425A>G on transcript NM_001999.4 (MANE Select); coding-DNA position 2425, A replaced by G.
Protein change: p.Ile809Val; replaces isoleucine 809 with valine.
Molecular consequence: missense variant.
Genome position (GRCh38, 1-based): chr5:128,364,603, T>C on the plus strand (A>G on the coding strand, the complement: FBN2 is on the minus strand). VCF-style: chr5-128364603-T-C. GRCh37 (hg19) VCF-style: chr5-127700296-T-C.
Other names: short protein forms I809V.
Identifiers: ClinVar variation 4707439 (VCV004707439.1).